The following is an entry in ClinVar:

ClinVar aggregate classification (germline): Conflicting classifications of pathogenicity. Review status: criteria provided, conflicting classifications (1 of 4 stars). 4 submissions from 4 submitters: Pathogenic (2); Likely pathogenic (1); Uncertain significance (1). Last evaluated 2024-12-31.

Conditions:
Familial hypobetalipoproteinemia 1. Also called: Hypobetalipoproteinemia, normotriglyceridemic; Acanthocytosis with hypobetalipoproteinemia; APOB-Related Familial Hypobetalipoproteinemia. Identifiers: MedGen C4551990, MONDO:0014252, OMIM 615558.
Hypercholesterolemia, autosomal dominant, type B (FHCL2). Also called: Familial Hypercholesterolemia Type B; APOB-Related Familial Hypercholesterolemia, Autosomal Dominant; Hyperlipoproteinemia Type IIb; Familial hypercholesterolemia 2; APOLIPOPROTEIN B-100, FAMILIAL DEFECTIVE; APOLIPOPROTEIN B-100, FAMILIAL LIGAND-DEFECTIVE. Identifiers: MedGen C1704417, MONDO:0007751, OMIM 144010.

Allele frequency attached by ClinVar (database versions not stated): TOPMed below 0.00001; gnomAD 0.00001; gnomAD exomes 0.00001.
gnomAD v4.1: 9 of 1,613,836 alleles (0.00056%); highest among the groups gnomAD compares: Admixed American, 0.0017%; no homozygotes.

Submissions (4):

Labcorp Genetics (formerly Invitae), Labcorp
Classification: Pathogenic for Familial hypobetalipoproteinemia 1; Hypercholesterolemia, autosomal dominant, type B. Last evaluated: 2024-12-31. Review status: criteria provided, single submitter. Criteria: Invitae Variant Classification Sherloc (09022015). Collection method: clinical testing. Allele origin: germline.
Comment: This sequence change creates a premature translational stop signal (p.Arg558*) in the APOB gene. It is expected to result in an absent or disrupted protein product. Loss-of-function variants in APOB are known to be pathogenic (PMID: 20032471). This variant is not present in population databases (gnomAD no frequency). This premature translational stop signal has been observed in individual(s) with hypobetalipoproteinemia (PMID: 31019026). ClinVar contains an entry for this variant (Variation ID: 237741). For these reasons, this variant has been classified as Pathogenic.

Mayo Clinic Laboratories, Mayo Clinic
Classification: Pathogenic. Last evaluated: 2024-06-25. Review status: criteria provided, single submitter. Criteria: ACMG Guidelines, 2015. Collection method: clinical testing. Allele origin: germline. Observed: 1 variant allele.
Comment: PP1, PM2, PVS1

Institute of Human Genetics, Clinical Exome/Genome Diagnostics Group, University Hospital Bonn
Classification: Uncertain significance for Hypercholesterolemia, autosomal dominant, type B. Last evaluated: 2023-03-29. Review status: criteria provided, single submitter. Criteria: ACMG Guidelines, 2015. Collection method: clinical testing. Allele origin: germline.

Fulgent Genetics
Classification: Likely pathogenic for Hypercholesterolemia, autosomal dominant, type B; Familial hypobetalipoproteinemia 1. Last evaluated: 2021-10-10. Review status: criteria provided, single submitter. Criteria: ACMG Guidelines, 2015. Collection method: clinical testing. Allele origin: unknown.

Literature cited by the submitters: PubMed 20032471 (cited by Labcorp Genetics (formerly Invitae), Labcorp); PubMed 31019026 (cited by Labcorp Genetics (formerly Invitae), Labcorp); PubMed 34645491 (cited by Mayo Clinic Laboratories, Mayo Clinic); PubMed 36003908 (cited by Mayo Clinic Laboratories, Mayo Clinic).

NM_000384.3(APOB):c.1672C>T (p.Arg558Ter)

Gene: APOB (apolipoprotein B; minus strand). Cytogenetic location: 2p24.1.
Variant type: single nucleotide variant.
Coding change: c.1672C>T on transcript NM_000384.3 (MANE Select); coding-DNA position 1672, C replaced by T.
Protein change: p.Arg558Ter; replaces arginine 558 with a stop codon.
Molecular consequence: nonsense.
Genome position (GRCh38, 1-based): chr2:21,028,484, G>A on the plus strand (C>T on the coding strand, the complement: APOB is on the minus strand). VCF-style: chr2-21028484-G-A. GRCh37 (hg19) VCF-style: chr2-21251356-G-A.
Other names: p.Arg558*; short protein forms R558*.
Identifiers: ClinVar variation 237741 (VCV000237741.18), dbSNP rs878853970, ClinGen allele CA10581915.